The following is an entry in ClinVar:

ClinVar aggregate classification (germline): Uncertain significance (0 of 4 stars; one submission).

Conditions:
UMOD-related disorder. Also called: UMOD-related condition.

Submission:

PreventionGenetics, part of Exact Sciences
Classification: Uncertain significance for UMOD-related condition. Last evaluated: 2023-12-22. Review status: no assertion criteria provided. Collection method: clinical testing. Allele origin: germline.
Comment: The UMOD c.1247A>T variant is predicted to result in the amino acid substitution p.Asp416Val. To our knowledge, this variant has not been reported in the literature or in a large population database, indicating this variant is rare. At this time, the clinical significance of this variant is uncertain due to the absence of conclusive functional and genetic evidence.

NM_003361.4(UMOD):c.1247A>T (p.Asp416Val)

Gene: UMOD (uromodulin; minus strand). Cytogenetic location: 16p12.3.
Variant type: single nucleotide variant.
Coding change: c.1247A>T on transcript NM_003361.4 (MANE Select); coding-DNA position 1247, A replaced by T.
Protein change: p.Asp416Val; replaces aspartic acid 416 with valine.
Molecular consequence: missense variant. On other transcripts: non-coding transcript variant (1).
Genome position (GRCh38, 1-based): chr16:20,344,108, T>A on the plus strand (A>T on the coding strand, the complement: UMOD is on the minus strand). VCF-style: chr16-20344108-T-A. GRCh37 (hg19) VCF-style: chr16-20355430-T-A.
Other names: c.1247A>T, p.Asp416Val (NM_001008389.3, NM_001378232.1, NM_001378233.1 and 3 more transcripts); c.1346A>T, p.Asp449Val (NM_001278614.2); short protein forms D416V, D449V.
Identifiers: ClinVar variation 3052326 (VCV003052326.2), dbSNP rs2507366219, ClinGen allele CA394982843.